The following is an entry in ClinVar:

ClinVar aggregate classification (germline): Pathogenic (1 of 4 stars; one submission).

Submission:

Labcorp Genetics (formerly Invitae), Labcorp
Classification: Pathogenic. Last evaluated: 2024-01-03. Review status: criteria provided, single submitter. Criteria: Invitae Variant Classification Sherloc (09022015). Collection method: clinical testing. Allele origin: germline.
Comment: This sequence change creates a premature translational stop signal (p.Trp224*) in the TBC1D7 gene. It is expected to result in an absent or disrupted protein product. Loss-of-function variants in TBC1D7 are known to be pathogenic (PMID: 23687350, 24515783). This variant is not present in population databases (gnomAD no frequency). This variant has not been reported in the literature in individuals affected with TBC1D7-related conditions. For these reasons, this variant has been classified as Pathogenic.

Literature cited by the submitters: PubMed 23687350; PubMed 24515783.

NM_016495.6(TBC1D7):c.672G>A (p.Trp224Ter)

Genes: TBC1D7 (TBC1 domain family member 7; minus strand), TBC1D7-LOC100130357 (TBC1D7-LOC100130357 readthrough; minus strand). Cytogenetic location: 6p24.1.
Variant type: single nucleotide variant.
Coding change: c.672G>A on transcript NM_016495.6 (MANE Select); coding-DNA position 672, G replaced by A.
Protein change: p.Trp224Ter; replaces tryptophan 224 with a stop codon.
Molecular consequence: nonsense.
Genome position (GRCh38, 1-based): chr6:13,306,521, C>T on the plus strand (G>A on the coding strand, the complement: TBC1D7 is on the minus strand). VCF-style: chr6-13306521-C-T. GRCh37 (hg19) VCF-style: chr6-13306753-C-T.
Other names: c.591G>A, p.Trp197Ter (NM_001143966.4); c.534G>A, p.Trp178Ter (NM_001258457.3); c.672G>A, p.Trp224Ter (NM_001318805.2, NM_001318809.2, NM_001143964.4 and 1 more transcripts); short protein forms W178*, W197*, W224*.
Identifiers: ClinVar variation 2705589 (VCV002705589.3), dbSNP rs1324026596, ClinGen allele CA362777041.